The following is an entry in ClinVar:

ClinVar aggregate classification (germline): Uncertain significance (1 of 4 stars; one submission).

Conditions:
Holocarboxylase synthetase deficiency. Also called: MULTIPLE CARBOXYLASE DEFICIENCY, EARLY ONSET. Identifiers: Orphanet 79242, MedGen C0268581, MONDO:0009666, OMIM 253270.

Submission:

Labcorp Genetics (formerly Invitae), Labcorp
Classification: Uncertain significance for Holocarboxylase synthetase deficiency. Last evaluated: 2021-09-19. Review status: criteria provided, single submitter. Criteria: Invitae Variant Classification Sherloc (09022015). Collection method: clinical testing. Allele origin: germline.
Comment: This sequence change replaces valine with methionine at codon 604 of the HLCS protein (p.Val604Met). The valine residue is moderately conserved and there is a small physicochemical difference between valine and methionine. This variant is not present in population databases (ExAC no frequency). This missense change has been observed in individual(s) with clinical features of HLCS-related conditions (Invitae). Algorithms developed to predict the effect of missense changes on protein structure and function are either unavailable or do not agree on the potential impact of this missense change (SIFT: "Deleterious"; PolyPhen-2: "Probably Damaging"; Align-GVGD: "Class C0"). In summary, the available evidence is currently insufficient to determine the role of this variant in disease. Therefore, it has been classified as a Variant of Uncertain Significance.

NM_001352514.2(HLCS):c.2251G>A (p.Val751Met)

Gene: HLCS (holocarboxylase synthetase; minus strand). Cytogenetic location: 21q22.13.
Variant type: single nucleotide variant.
Coding change: c.2251G>A on transcript NM_001352514.2 (MANE Select); coding-DNA position 2251, G replaced by A.
Protein change: p.Val751Met; replaces valine 751 with methionine.
Molecular consequence: missense variant. On other transcripts: non-coding transcript variant (2).
Genome position (GRCh38, 1-based): chr21:36,756,741, C>T on the plus strand (G>A on the coding strand, the complement: HLCS is on the minus strand). VCF-style: chr21-36756741-C-T. GRCh37 (hg19) VCF-style: chr21-38129042-C-T.
Other names: c.1810G>A, p.Val604Met (NM_000411.8, NM_001242784.3, NM_001242785.2 and 4 more transcripts); short protein forms V604M, V751M.
Identifiers: ClinVar variation 529441 (VCV000529441.4), dbSNP rs1555882115, ClinGen allele CA409919494.
Genomic context (GRCh38, chr21:36,756,741, plus strand): 5'-GTTGTTTATTGTATTCTGTGATGAGGTCGTTGATGCAGATGGTAGGGTTACTGTTAGTCA[C>T]ATTAAATCCACAGCCTGGACAAAAACAAACAATTGAGCAGCTCAGCCTGTTGATGGCATC-3'
Protein context (NP_001339443.1, residues 741-761): FYILIGCGFN[Val751Met]TNSNPTICIN